The following is an entry in ClinVar:

ClinVar aggregate classification (germline): Pathogenic (1 of 4 stars; one submission).

Conditions:
Hereditary breast ovarian cancer syndrome. Also called: Breast and ovarian cancer; BRCA1- and BRCA2-Associated Hereditary Breast and Ovarian Cancer; Hereditary breast and ovarian cancer syndrome; Hereditary breast and/or ovarian cancer syndrome; Hereditary breast and ovarian cancer; Hereditary breast and ovarian cancer syndrome (HBOC). Identifiers: Orphanet 145, MedGen C0677776, MeSH D061325, MONDO:0003582. Disease mechanism: loss of function.

Submission:

Labcorp Genetics (formerly Invitae), Labcorp
Classification: Pathogenic for Hereditary breast ovarian cancer syndrome. Last evaluated: 2020-06-30. Review status: criteria provided, single submitter. Criteria: Invitae Variant Classification Sherloc (09022015). Collection method: clinical testing. Allele origin: germline.
Comment: This variant is an out-of-frame deletion of the genomic region encompassing exons 14 of the BRCA1 gene. This is expected to create a premature translational stop signal and result in an absent or disrupted protein product. This variant has been observed in individuals affected with hereditary breast and ovarian cancer (PMID: 16793929, 22006311). Loss-of-function variants in BRCA1 are known to be pathogenic (PMID: 20104584). For these reasons, this variant has been classified as Pathogenic.

Literature cited by the submitters: PubMed 16793929; PubMed 22006311; PubMed 20104584.

NC_000017.10:g.(?_41226328)_(41226558_?)del

Gene: BRCA1 (BRCA1 DNA repair associated; minus strand). Cytogenetic location: 17q21.31.
Variant type: Deletion.
Identifiers: ClinVar variation 1068884 (VCV001068884.1).